The following is an entry in ClinVar:

NC_000019.9:g.(?_13414350)_(13418678_?)del

Gene: CACNA1A (calcium voltage-gated channel subunit alpha1 A; minus strand). Cytogenetic location: 19p13.2.
Variant type: Deletion.
Identifiers: ClinVar variation 3248498 (VCV003248498.1).

ClinVar aggregate classification (germline): Pathogenic (1 of 4 stars; one submission).

Conditions:
Episodic ataxia type 2 (EA2). Also called: ATAXIA, EPISODIC, WITH NYSTAGMUS; ATAXIA, FAMILIAL PAROXYSMAL; CEREBELLAR ATAXIA, PAROXYSMAL, ACETAZOLAMIDE-RESPONSIVE; CEREBELLOPATHY, HEREDITARY PAROXYSMAL; EPISODIC ATAXIA, NYSTAGMUS-ASSOCIATED; ACETAZOLAMIDE-RESPONSIVE HEREDITARY PAROXYSMAL CEREBELLAR ATAXIA. Identifiers: Orphanet 97, MedGen C1720416, MONDO:0007163, OMIM 108500.
Developmental and epileptic encephalopathy, 42 (DEE42A). Also called: DEVELOPMENTAL AND EPILEPTIC ENCEPHALOPATHY 42A; EPILEPTIC ENCEPHALOPATHY, EARLY INFANTILE, 42A; Epileptic encephalopathy, early infantile, 42. Identifiers: MedGen C4310716, MONDO:0014917, OMIM 617106.

Submission:

Labcorp Genetics (formerly Invitae), Labcorp
Classification: Pathogenic for Developmental and epileptic encephalopathy, 42; Episodic ataxia type 2. Last evaluated: 2019-09-04. Review status: criteria provided, single submitter. Criteria: Invitae Variant Classification Sherloc (09022015). Collection method: clinical testing. Allele origin: unknown.
Comment: For these reasons, this variant has been classified as Pathogenic. Loss-of-function variants in CACNA1A are known to be pathogenic (PMID: 10371528, 19486177, 25735478, 27250579). This variant has not been reported in the literature in individuals with CACNA1A-related conditions. This variant is an out-of-frame deletion of the genomic region encompassing exons 15-17 of the CACNA1A gene. This is expected to create a premature translational stop signal and result in an absent or disrupted protein product.

Literature cited by the submitters: PubMed 10371528; PubMed 19486177; PubMed 25735478; PubMed 27250579.